The following is an entry in ClinVar:

ClinVar aggregate classification (germline): Pathogenic/Likely pathogenic. Review status: criteria provided, multiple submitters, no conflicts (2 of 4 stars). 15 submissions from 15 submitters: Pathogenic (8); Likely pathogenic (5). 2 of the submissions do not count toward it. Last evaluated 2026-10-01.

Conditions:
Hereditary cancer-predisposing syndrome. Also called: Neoplastic Syndromes, Hereditary; Hereditary Cancer Syndrome; Tumor predisposition; Hereditary neoplastic syndrome. Identifiers: Orphanet 140162, MedGen C0027672, MeSH D009386, MONDO:0015356.
Ataxia-telangiectasia syndrome (AT). Also called: LOUIS-BAR SYNDROME; Cerebello-oculocutaneous telangiectasia; Immunodeficiency with ataxia telangiectasia; Ataxia-telangiectasia, complementation group E; Ataxia telangiectasia (A-T); Ataxia-telangiectasia, complementation group D. Identifiers: Orphanet 100, MedGen C0004135, MONDO:0008840, OMIM 208900.
Familial cancer of breast. Also called: hereditary breast carcinoma; BREAST CANCER, FAMILIAL; Hereditary breast cancer. Identifiers: Orphanet 227535, MedGen C0346153, MONDO:0016419, OMIM 114480. Disease mechanism: loss of function.

Allele frequency attached by ClinVar (database versions not stated): gnomAD exomes below 0.00001; TOPMed 0.00001.
gnomAD v4.1: 5 of 1,613,592 alleles (0.00031%); highest among the groups gnomAD compares: South Asian, 0.0011%; no homozygotes.

Submissions (15):

St. Jude Molecular Pathology, St. Jude Children's Research Hospital
Classification: Pathogenic for Ataxia-telangiectasia syndrome. Last evaluated: 2026-10-01. Review status: criteria provided, single submitter. Criteria: St. Jude Assertion Criteria 2020. Collection method: clinical testing. Allele origin: germline.
Comment: The ATM c.2638+2T>C intronic change results in a T to C substitution at the +2 position of intron 1 7 of the ATM gene. This variant is predicted to result in aberrant splicing, resulting in nonsense-mediated decay or an abnormal protein product. This variant has been reported in an individual with breast cancer (PMID: 26681312). This variant has a maxi mum subpopulation frequency of 0.036% in gnomAD v2.1.1. In summary, this variant meets criteria to be classified as pathogenic.

Labcorp Genetics (formerly Invitae), Labcorp
Classification: Pathogenic for Ataxia-telangiectasia syndrome. Last evaluated: 2026-01-28. Review status: criteria provided, single submitter. Criteria: Invitae Variant Classification Sherloc (09022015). Collection method: clinical testing. Allele origin: germline.
Comment: This sequence change affects a donor splice site in intron 17 of the ATM gene. RNA analysis indicates that disruption of this splice site induces altered splicing and may result in an absent or altered protein product. This variant is present in population databases (rs587779826, gnomAD 0.0009%). Disruption of this splice site has been observed in individual(s) with ataxia-telangiectasia (A-T) and/or melanoma, breast cancer, thyroid cancer and kidney cancer (PMID: 25122203, 26681312, 26845104). It has also been observed to segregate with disease in related individuals. ClinVar contains an entry for this variant (Variation ID: 127357). Studies have shown that disruption of this splice site results in skipping of exon 17, and produces a non-functional protein and/or introduces a premature termination codon (internal data). For these reasons, this variant has been classified as Pathogenic.

Ambry Genetics
Classification: Likely pathogenic for Hereditary cancer-predisposing syndrome. Last evaluated: 2025-04-17. Review status: criteria provided, single submitter. Criteria: Ambry Variant Classification Scheme 2023. Collection method: clinical testing. Allele origin: germline.
Comment: The c.2638+2T>C intronic variant results from a T to C substitution two nucleotides after coding exon 16 in the ATM gene. This alteration has been reported in an individual with breast cancer and in a patient with melanoma, thyroid and kidney cancers (Susswein LR et al. Genet. Med. 2016 08;18(8):823-32; Shirts BH et al. Genet. Med. 2016 10;18(10):974-81). This variant is considered to be rare based on population cohorts in the Genome Aggregation Database (gnomAD). This nucleotide position is highly conserved in available vertebrate species. In silico splice site analysis predicts that this alteration will weaken the native splice donor site. RNA studies have demonstrated that this alteration results in abnormal splicing in the set of samples tested (Ambry internal data). In addition to the clinical data presented in the literature, alterations that disrupt the canonical splice site are expected to cause aberrant splicing, resulting in an abnormal protein or a transcript that is subject to nonsense-mediated mRNA decay. As such, this alteration is classified as likely pathogenic.

Natera, Inc.
Classification: Likely pathogenic for Ataxia-telangiectasia. Last evaluated: 2024-12-31. Review status: criteria provided, single submitter. Criteria: Natera Variant Classification Schema (03/2026). Collection method: clinical testing. Allele origin: germline.
Comment: The c.2638+2T>C variant in ATM is a canonical splice donor site variant predicted to affect pre-mRNA splicing, which may result in an abnormal transcript and altered protein product. This variant is expected to result in nonsense mediated decay, truncation, or a dysfunctional protein product. This variant is rare in the general population with a frequency below the threshold expected for the associated phenotype(s). Given the available evidence, this variant is classified as Likely Pathogenic.

Genetic Services Laboratory, University of Chicago
Classification: Pathogenic. Last evaluated: 2024-05-08. Review status: criteria provided, single submitter. Criteria: ACMG Guidelines, 2015. Collection method: clinical testing. Allele origin: germline. Affected: yes.
Comment: DNA sequence analysis of the ATM gene demonstrated a sequence change in the canonical splice donor site of intron 17, c.2638+2T>C. This sequence change has been previously described in individuals with breast and ovarian cancers (PMID: 26681312, 28888541). This sequence change has been described in the gnomAD database with a frequency of 0.0003% in the overall population (dbSNP rs587779826). This pathogenic sequence change is predicted to affect normal splicing of the ATM gene and result in an abnormal protein. These collective evidences indicate that this sequence change is pathogenic.

Myriad Genetics, Inc.
Classification: Likely pathogenic for Familial cancer of breast. Last evaluated: 2024-01-18. Review status: criteria provided, single submitter. Criteria: Myriad Autosomal Dominant, Autosomal Recessive and X-Linked Classification Criteria (2023). Collection method: clinical testing. Allele origin: unknown.
Comment: This variant is considered likely pathogenic. This variant occurs within a consensus splice junction and is predicted to result in abnormal mRNA splicing of either an out-of-frame exon or an in-frame exon necessary for protein stability and/or normal function.

Color Diagnostics, LLC DBA Color Health
Classification: Pathogenic for Hereditary cancer-predisposing syndrome. Last evaluated: 2024-01-04. Review status: criteria provided, single submitter. Criteria: ACMG Guidelines, 2015. Collection method: clinical testing. Allele origin: germline.
Comment: This variant causes a T to C nucleotide substitution at the +2 position of intron 17 of the ATM gene. Splice site prediction tools predict that this variant may have a significant impact on RNA splicing. An RNA study has reported that this variant leads to the skipping of exon 17, creating a premature translation stop signal in the RNA transcript (PMID: 31843900). The aberrant transcript is expected to result in an absent or disrupted protein product. This variant has been reported in an individual affected with breast cancer (PMID: 26681312) and in an individual affected with melanoma, kidney and thyroid cancer (PMID: 26845104). This variant has been identified in 1/251350 chromosomes in the general population by the Genome Aggregation Database (gnomAD). Loss of ATM function is a known mechanism of disease. Based on the available evidence, this variant is classified as Pathogenic.

Quest Diagnostics Nichols Institute San Juan Capistrano
Classification: Pathogenic. Last evaluated: 2023-10-10. Review status: criteria provided, single submitter. Criteria: Quest Diagnostics criteria. Collection method: clinical testing. Allele origin: unknown.
Comment: The ATM c.2638+2T>C variant disrupts a canonical splice-donor site, and has been shown in an RNA study to cause aberrant splicing and out-of-frame exon skipping (PMID: 31843900 (2019)). This variant has been reported in individuals with breast or ovarian cancer (PMIDs: 26681312 (2015), 28888541 (2017)), and in an individual with melanoma, thyroid, and kidney cancer (PMID: 26845104 (2016)). A different variant at the same nucleotide position, c.2638+2T>G (also known as IVS19+2T>G), has been observed in individuals with atypical ataxia-telangiectasia (PMID: 25122203 (2014)). The frequency of the c.2638+2T>C variant in the general population, 0.000004 (1/251350 chromosomes (Genome Aggregation Database)), is consistent with pathogenicity. Based on the available information, this variant is classified as pathogenic.

Baylor Genetics
Classification: Pathogenic for Familial cancer of breast. Last evaluated: 2023-09-13. Review status: criteria provided, single submitter. Criteria: ACMG Guidelines, 2015. Collection method: clinical testing. Allele origin: unknown.

GeneDx
Classification: Pathogenic. Last evaluated: 2022-05-20. Review status: criteria provided, single submitter. Criteria: GeneDx Variant Classification Process June 2021. Collection method: clinical testing. Allele origin: germline. Affected: yes.
Comment: Canonical splice site variant predicted to result in a null allele in a gene for which loss of function is a known mechanism of disease; Observed in an individual with personal or family history of melanoma, thyroid cancer, kidney cancer, colon cancer, and polyps (Shirts 2016); Not observed at significant frequency in large population cohorts (gnomAD); Published functional studies demonstrate a damaging effect: exon skipping (Casadei 2019); Observed with a pathogenic variant on the opposite allele (in trans) in multiple sisters with late-onset ataxia telangiectasia (Meneret 2014); Also known as IVS19+2T>C; This variant is associated with the following publications: (PMID: 26681312, 23807571, 28888541, 25614872, 31447099, 31843900, 25122203, 26845104)

Revvity Omics, Revvity
Classification: Pathogenic for Ataxia-telangiectasia syndrome. Last evaluated: 2019-02-05. Review status: criteria provided, single submitter. Criteria: ACMG Guidelines, 2015. Collection method: clinical testing. Allele origin: germline.

PreventionGenetics, part of Exact Sciences
Classification: Likely pathogenic. Last evaluated: 2017-10-27. Review status: criteria provided, single submitter. Criteria: ACMG Guidelines, 2015. Collection method: clinical testing. Allele origin: germline.

University of Washington Department of Laboratory Medicine, University of Washington
Classification: Likely pathogenic for Hereditary cancer-predisposing syndrome. Last evaluated: 2015-11-20. Review status: criteria provided, single submitter. Criteria: Shirts et al. (Genet Med 2016). Collection method: clinical testing. Allele origin: germline. Observed: 1 variant allele.

King Laboratory, University of Washington
Classification: Pathogenic for Familial cancer of breast. Last evaluated: 2019-09-01. Review status: no assertion criteria provided. Collection method: research. Allele origin: germline. Affected: yes. Not counted in ClinVar's aggregate classification.
Comment: Transcript analysis by cBROCA

Counsyl
Classification: Pathogenic for Ataxia-telangiectasia syndrome. Last evaluated: 2017-09-06. Review status: no assertion criteria provided. Collection method: clinical testing. Allele origin: unknown. Not counted in ClinVar's aggregate classification.

Literature cited by the submitters: PubMed 25122203 (cited by Labcorp Genetics (formerly Invitae), Labcorp and Ambry Genetics); PubMed 26681312 (cited by 4 submitters); PubMed 26845104 (cited by 4 submitters); PubMed 31843900 (cited by 4 submitters); PubMed 28888541 (cited by Quest Diagnostics Nichols Institute San Juan Capistrano).

NM_000051.4(ATM):c.2638+2T>C

Gene: ATM (ATM serine/threonine kinase; plus strand). Cytogenetic location: 11q22.3.
Variant type: single nucleotide variant.
Coding change: c.2638+2T>C on transcript NM_000051.4 (MANE Select); the canonical splice donor site of the intron after coding-DNA position 2638, T replaced by C.
Molecular consequence: splice donor variant.
Genome position (GRCh38, 1-based): chr11:108,267,344, T>C. VCF-style: chr11-108267344-T-C. GRCh37 (hg19) VCF-style: chr11-108138071-T-C.
Other names: IVS17+2T>C; c.2638+2T>C (NM_001351834.2).
Identifiers: ClinVar variation 127357 (VCV000127357.45), dbSNP rs587779826, ClinGen allele CA286775.